The following is an entry in ClinVar:

ClinVar aggregate classification (germline): Uncertain significance. Review status: criteria provided, single submitter (1 of 4 stars). 2 submissions from 2 submitters: Uncertain significance (1). 1 of the submissions does not count toward it. Last evaluated 2022-07-19.

Conditions:
Metachromatic leukodystrophy (MLD). Also called: Arylsulfatase A Deficiency; SULFATIDE LIPIDOSIS; ARSA DEFICIENCY; CEREBROSIDE SULFATASE DEFICIENCY; Cerebral sclerosis diffuse metachromatic form; METACHROMATIC LEUKOENCEPHALOPATHY. Identifiers: Orphanet 512, MedGen C0023522, MONDO:0018868, OMIM 250100.
Sphingolipid activator protein 1 deficiency. Also called: Saposin B Deficiency; Metachromatic leukodystrophy due to saposin B deficiency; METACHROMATIC LEUKODYSTROPHY DUE TO CEREBROSIDE SULFATASE ACTIVATOR DEFICIENCY. Identifiers: Orphanet 512, MedGen C0268262, MONDO:0009590, OMIM 249900.

gnomAD v4.1: 14 of 1,551,020 alleles (0.0009%); highest among the groups gnomAD compares: East Asian, 0.017%; no homozygotes.

Submissions (2):

Labcorp Genetics (formerly Invitae), Labcorp
Classification: Uncertain significance for Sphingolipid activator protein 1 deficiency. Last evaluated: 2022-07-19. Review status: criteria provided, single submitter. Criteria: Invitae Variant Classification Sherloc (09022015). Collection method: clinical testing. Allele origin: germline.
Comment: This sequence change replaces alanine, which is neutral and non-polar, with glycine, which is neutral and non-polar, at codon 3 of the PSAP protein (p.Ala3Gly). This variant is present in population databases (no rsID available, gnomAD no frequency). This variant has not been reported in the literature in individuals affected with PSAP-related conditions. ClinVar contains an entry for this variant (Variation ID: 989894). Algorithms developed to predict the effect of missense changes on protein structure and function output the following: SIFT: "Not Available"; PolyPhen-2: "Not Available"; Align-GVGD: "Not Available". The glycine amino acid residue is found in multiple mammalian species, which suggests that this missense change does not adversely affect protein function. In summary, the available evidence is currently insufficient to determine the role of this variant in disease. Therefore, it has been classified as a Variant of Uncertain Significance.

Natera, Inc.
Classification: Uncertain significance for Metachromatic leukodystrophy. Last evaluated: 2020-04-11. Review status: no assertion criteria provided. Collection method: clinical testing. Allele origin: germline. Not counted in ClinVar's aggregate classification.

NM_002778.4(PSAP):c.8C>G (p.Ala3Gly)

Gene: PSAP (prosaposin; minus strand). Cytogenetic location: 10q22.1.
Variant type: single nucleotide variant.
Coding change: c.8C>G on transcript NM_002778.4 (MANE Select); coding-DNA position 8, C replaced by G.
Protein change: p.Ala3Gly; replaces alanine 3 with glycine.
Molecular consequence: missense variant.
Genome position (GRCh38, 1-based): chr10:71,851,214, G>C on the plus strand (C>G on the coding strand, the complement: PSAP is on the minus strand). VCF-style: chr10-71851214-G-C. GRCh37 (hg19) VCF-style: chr10-73610971-G-C.
Other names: c.8C>G, p.Ala3Gly (NM_001042465.3, NM_001042466.3); short protein forms A3G.
Identifiers: ClinVar variation 989894 (VCV000989894.3), dbSNP rs969229358, ClinGen allele CA209489456.